The following is an entry in ClinVar:

ClinVar aggregate classification (germline): Benign/Likely benign. Review status: criteria provided, multiple submitters, no conflicts (2 of 4 stars). 6 submissions from 5 submitters: Benign (2); Likely benign (4). Last evaluated 2026-04-01.

Conditions:
Pseudoachondroplastic spondyloepiphyseal dysplasia syndrome (PSACH). Also called: COMP-Related Pseudoachondroplasia; PSEUDOACHONDROPLASTIC DYSPLASIA; Pseudoachondroplasia. Identifiers: Orphanet 750, MedGen C0410538, MONDO:0008322, OMIM 177170.
Multiple epiphyseal dysplasia type 1. Also called: COMP-Related Multiple Epiphyseal Dysplasia. Identifiers: Orphanet 93308, MedGen C1838280, MONDO:0007561, OMIM 132400.

Allele frequency attached by ClinVar (database versions not stated): 1000 Genomes Project 0.00020; 1000 Genomes Project 30x 0.00062; TOPMed 0.00070; ExAC 0.00096.
gnomAD v4.1: 1,801 of 1,523,420 alleles (0.12%); highest among the groups gnomAD compares: Non-Finnish European, 0.14%; 6 homozygotes.

Submissions (6):

CeGaT Center for Human Genetics Tuebingen
Classification: Likely benign. Last evaluated: 2026-04-01. Review status: criteria provided, single submitter. Criteria: CeGaT Center For Human Genetics Tuebingen Variant Classification Criteria Version 2. Collection method: clinical testing. Allele origin: germline. Affected: yes. Observed: 1 variant allele.
Comment: COMP: BP4, BS1

Labcorp Genetics (formerly Invitae), Labcorp
Classification: Benign. Last evaluated: 2026-01-04. Review status: criteria provided, single submitter. Criteria: Invitae Variant Classification Sherloc (09022015). Collection method: clinical testing. Allele origin: germline.

Blueprint Genetics
Classification: Likely benign. Last evaluated: 2024-10-14. Review status: criteria provided, single submitter. Criteria: ACMG Guidelines, 2015. Collection method: clinical testing. Allele origin: germline.

GeneDx
Classification: Likely benign. Last evaluated: 2021-04-04. Review status: criteria provided, single submitter. Criteria: GeneDx Variant Classification Process June 2021. Collection method: clinical testing. Allele origin: germline. Affected: yes.

Illumina Laboratory Services, Illumina
Classification: Likely benign for Multiple epiphyseal dysplasia type 1. Last evaluated: 2018-01-13. Review status: criteria provided, single submitter. Criteria: ICSL Variant Classification Criteria 13 December 2019. Collection method: clinical testing. Allele origin: germline.
Comment: This variant was observed in the ICSL laboratory as part of a predisposition screen in an ostensibly healthy population. It had not been previously curated by ICSL or reported in the Human Gene Mutation Database (HGMD: prior to June 1st, 2018), and was therefore a candidate for classification through an automated scoring system. Utilizing variant allele frequency, disease prevalence and penetrance estimates, and inheritance mode, an automated score was calculated to assess if this variant is too frequent to cause the disease. Based on the score and internal cut-off values, a variant classified as likely benign is not then subjected to further curation. The score for this variant resulted in a classification of likely benign for this disease.

Illumina Laboratory Services, Illumina
Classification: Benign for Pseudoachondroplastic spondyloepiphyseal dysplasia syndrome. Last evaluated: 2018-01-13. Review status: criteria provided, single submitter. Criteria: ICSL Variant Classification Criteria 13 December 2019. Collection method: clinical testing. Allele origin: germline.
Comment: This variant was observed in the ICSL laboratory as part of a predisposition screen in an ostensibly healthy population. It had not been previously curated by ICSL or reported in the Human Gene Mutation Database (HGMD: prior to June 1st, 2018), and was therefore a candidate for classification through an automated scoring system. Utilizing variant allele frequency, disease prevalence and penetrance estimates, and inheritance mode, an automated score was calculated to assess if this variant is too frequent to cause the disease. Based on the score and internal cut-off values, a variant classified as benign is not then subjected to further curation. The score for this variant resulted in a classification of benign for this disease.

NM_000095.3(COMP):c.218-6C>G

Gene: COMP (cartilage oligomeric matrix protein; minus strand). Cytogenetic location: 19p13.11.
Variant type: single nucleotide variant.
Coding change: c.218-6C>G on transcript NM_000095.3 (MANE Select); 6 bases into the intron before coding-DNA position 218, C replaced by G.
Molecular consequence: intron variant.
Genome position (GRCh38, 1-based): chr19:18,790,120, G>C on the plus strand (C>G on the coding strand, the complement: COMP is on the minus strand). VCF-style: chr19-18790120-G-C. GRCh37 (hg19) VCF-style: chr19-18900929-G-C.
Identifiers: ClinVar variation 890265 (VCV000890265.17), dbSNP rs534407430, ClinGen allele CA9316787.
Genomic context (GRCh38, chr19:18,790,120, plus strand): 5'-CAGTGGAGCAGGGGCCGCACGCTGGGTAGGCCGGTGCGTACTGACTGCTGCATCCCTGCG[G>C]GGGGGAGGGGGGAGAAGCGGCGGGGCTGATCGGTGGCTCGCCCGGGGGCAGAGCCTATCA-3'